The following is an entry in ClinVar:

ClinVar aggregate classification (germline): Uncertain significance (1 of 4 stars; one submission).

Conditions:
Melnick-Fraser syndrome (BOR). Also called: Branchiootorenal syndrome; Branchio-oto-renal syndrome; Branchiootorenal Syndrome (BORS). Identifiers: Orphanet 107, MedGen C0265234, MONDO:0007029.

gnomAD v4.1: 3 of 1,612,852 alleles (0.00019%); highest among the groups gnomAD compares: African/African-American, 0.0027%; no homozygotes.

Submission:

Labcorp Genetics (formerly Invitae), Labcorp
Classification: Uncertain significance for Melnick-Fraser syndrome. Last evaluated: 2025-12-30. Review status: criteria provided, single submitter. Criteria: Invitae Variant Classification Sherloc (09022015). Collection method: clinical testing. Allele origin: germline.
Comment: This sequence change affects codon 41 of the EYA1 mRNA. It is a 'silent' change, meaning that it does not change the encoded amino acid sequence of the EYA1 protein. It affects a nucleotide within the consensus splice site. This variant is present in population databases (no rsID available, gnomAD 0.01%). This variant has not been reported in the literature in individuals affected with EYA1-related conditions. Algorithms developed to predict the effect of sequence changes on RNA splicing suggest that this variant may disrupt the consensus splice site. In summary, the available evidence is currently insufficient to determine the role of this variant in disease. Therefore, it has been classified as a Variant of Uncertain Significance.

NM_000503.6(EYA1):c.123A>G (p.Glu41=)

Gene: EYA1 (EYA transcriptional coactivator and phosphatase 1; minus strand). Cytogenetic location: 8q13.3.
Variant type: single nucleotide variant.
Coding change: c.123A>G on transcript NM_000503.6 (MANE Select); coding-DNA position 123, A replaced by G.
Protein change: p.Glu41=; no amino-acid change (glutamic acid 41 retained).
Molecular consequence: synonymous variant. On other transcripts: 5 prime UTR variant (1), intron variant (2).
Genome position (GRCh38, 1-based): chr8:71,354,783, T>C on the plus strand (A>G on the coding strand, the complement: EYA1 is on the minus strand). VCF-style: chr8-71354783-T-C. GRCh37 (hg19) VCF-style: chr8-72267018-T-C.
Other names: c.123A>G, p.Glu41= (NM_001288574.2, NM_001370334.1, NM_001370335.1 and 1 more transcripts); c.-162A>G (NM_001288575.2); c.210A>G, p.Glu70= (NM_001370333.1, NM_001370336.1, NM_172059.5); c.25+1679A>G (NM_001411797.1, NM_172060.4).
Identifiers: ClinVar variation 4781929 (VCV004781929.1).